The following is an entry in ClinVar:

NM_002439.5(MSH3):c.2813+1G>A

Gene: MSH3 (mutS homolog 3; plus strand). Cytogenetic location: 5q14.1.
Variant type: single nucleotide variant.
Coding change: c.2813+1G>A on transcript NM_002439.5 (MANE Select); the canonical splice donor site of the intron after coding-DNA position 2813, G replaced by A.
Molecular consequence: splice donor variant.
Genome position (GRCh38, 1-based): chr5:80,813,742, G>A. VCF-style: chr5-80813742-G-A. GRCh37 (hg19) VCF-style: chr5-80109561-G-A.
Identifiers: ClinVar variation 1066959 (VCV001066959.17), dbSNP rs2112054627, ClinGen allele CA360274128.

ClinVar aggregate classification (germline): Likely pathogenic. Review status: criteria provided, multiple submitters, no conflicts (2 of 4 stars). 4 submissions from 4 submitters: Likely pathogenic (4). Last evaluated 2025-09-01.

Conditions:
Hereditary cancer-predisposing syndrome. Also called: Neoplastic Syndromes, Hereditary; Tumor predisposition; Hereditary neoplastic syndrome; Hereditary Cancer Syndrome. Identifiers: Orphanet 140162, MedGen C0027672, MeSH D009386, MONDO:0015356.
Familial adenomatous polyposis 4 (FAP4). Also called: MSH3-related attenuated familial adenomatous polyposis. Identifiers: Orphanet 480536, MedGen C4310719, MONDO:0044300, OMIM 617100.

Submissions (4):

CeGaT Center for Human Genetics Tuebingen
Classification: Likely pathogenic. Last evaluated: 2025-09-01. Review status: criteria provided, single submitter. Criteria: CeGaT Center For Human Genetics Tuebingen Variant Classification Criteria Version 2. Collection method: clinical testing. Allele origin: germline. Affected: yes. Observed: 1 variant allele.
Comment: MSH3: PVS1:Strong, PM2

Ambry Genetics
Classification: Likely pathogenic for Hereditary cancer-predisposing syndrome. Last evaluated: 2024-07-02. Review status: criteria provided, single submitter. Criteria: Ambry Variant Classification Scheme 2023. Collection method: clinical testing. Allele origin: germline.
Comment: The c.2813+1G>A intronic variant results from a G to A substitution one nucleotide after coding exon 20 of the MSH3 gene. This nucleotide position is highly conserved in available vertebrate species. In silico splice site analysis predicts that this alteration will weaken the native splice donor site and will result in the creation or strengthening of a novel splice donor site; however, direct evidence is insufficient at this time (Ambry internal data). Alterations that disrupt the canonical splice site are expected to cause aberrant splicing, resulting in an abnormal protein or a transcript that is subject to nonsense-mediated mRNA decay. As such, this alteration is classified as likely pathogenic.

Labcorp Genetics (formerly Invitae), Labcorp
Classification: Likely pathogenic. Last evaluated: 2024-02-13. Review status: criteria provided, single submitter. Criteria: Invitae Variant Classification Sherloc (09022015). Collection method: clinical testing. Allele origin: germline.
Comment: This sequence change affects a donor splice site in intron 20 of the MSH3 gene. RNA analysis indicates that disruption of this splice site induces altered splicing and may result in an absent or disrupted protein product. This variant is not present in population databases (gnomAD no frequency). This variant has not been reported in the literature in individuals affected with MSH3-related conditions. ClinVar contains an entry for this variant (Variation ID: 1066959). Studies have shown that disruption of this splice site results in activation of a cryptic splice site and introduces a premature termination codon (Invitae). The resulting mRNA is expected to undergo nonsense-mediated decay. In summary, the currently available evidence indicates that the variant is pathogenic, but additional data are needed to prove that conclusively. Therefore, this variant has been classified as Likely Pathogenic.

Myriad Genetics, Inc.
Classification: Likely pathogenic for Familial adenomatous polyposis 4. Last evaluated: 2023-08-31. Review status: criteria provided, single submitter. Criteria: Myriad Autosomal Dominant, Autosomal Recessive and X-Linked Classification Criteria (2023). Collection method: clinical testing. Allele origin: unknown.
Comment: This variant is considered likely pathogenic. This variant occurs within a consensus splice junction and is predicted to result in abnormal mRNA splicing of either an out-of-frame exon or an in-frame exon necessary for protein stability and/or normal function.